The following is an entry in ClinVar:

ClinVar aggregate classification (germline): Pathogenic (1 of 4 stars; one submission).

Submission:

Labcorp Genetics (formerly Invitae), Labcorp
Classification: Pathogenic. Last evaluated: 2024-08-22. Review status: criteria provided, single submitter. Criteria: Invitae Variant Classification Sherloc (09022015). Collection method: clinical testing. Allele origin: germline.
Comment: This sequence change creates a premature translational stop signal (p.Arg749Glyfs*43) in the POLE gene. It is expected to result in an absent or disrupted protein product. Loss-of-function variants in POLE are known to be pathogenic (PMID: 23230001, 25948378, 30503519). This variant is not present in population databases (gnomAD no frequency). This variant has not been reported in the literature in individuals affected with POLE-related conditions. ClinVar contains an entry for this variant (Variation ID: 582211). For these reasons, this variant has been classified as Pathogenic.

Literature cited by the submitters: PubMed 23230001; PubMed 25948378; PubMed 30503519.

NM_006231.4(POLE):c.2245del (p.Arg749fs)

Gene: POLE (DNA polymerase epsilon, catalytic subunit; minus strand). Cytogenetic location: 12q24.33.
Variant type: Deletion.
Coding change: c.2245del on transcript NM_006231.4 (MANE Select); coding-DNA position 2245, one base deleted (C; older notation c.2245delC).
Protein change: p.Arg749fs; shifts the reading frame from arginine 749.
Molecular consequence: frameshift variant.
Genome position (GRCh38, 1-based): chr12:132,667,577, G deleted on the plus strand (C on the coding strand, the reverse complement: POLE is on the minus strand). VCF-style (leftmost placement, unchanged base first): chr12-132667576-CG-C. GRCh37 (hg19) VCF-style: chr12-133244162-CG-C.
Other names: c.2245delC (NM_006231.3); short protein forms R749fs.
Identifiers: ClinVar variation 582211 (VCV000582211.8), dbSNP rs1565964707, ClinGen allele CA891844345.